The following is an entry in ClinVar:

NM_015041.3(CLUAP1):c.964G>A (p.Asp322Asn)

Gene: CLUAP1 (clusterin associated protein 1; plus strand). Cytogenetic location: 16p13.3.
Variant type: single nucleotide variant.
Coding change: c.964G>A on transcript NM_015041.3 (MANE Select); coding-DNA position 964, G replaced by A.
Protein change: p.Asp322Asn; replaces aspartic acid 322 with asparagine.
Molecular consequence: missense variant.
Genome position (GRCh38, 1-based): chr16:3,530,603, G>A. VCF-style: chr16-3530603-G-A. GRCh37 (hg19) VCF-style: chr16-3580603-G-A.
Other names: c.964G>A, p.Asp322Asn (NM_001330454.2); c.466G>A, p.Asp156Asn (NM_024793.3); c.964G>A (NM_015041.1); short protein forms D156N, D322N.
Identifiers: ClinVar variation 1015108 (VCV001015108.8), dbSNP rs371808643, ClinGen allele CA7863923.
Genomic context (GRCh38, chr16:3,530,603, plus strand): 5'-TTTTGCCTGCTTGTGTTCCTGCTAGGTAACGATGACTCGGACATAGACATCCAGGAGGAC[G>A]ATGAATCCGACAGTGAGTTGGAAGAAAGGCGGCTGCCCAAGCCACAGACAGCCATGGAGA-3'
Protein context (NP_055856.1, residues 312-332): DDSDIDIQED[Asp322Asn]ESDSELEERR

ClinVar aggregate classification (germline): Uncertain significance. Review status: criteria provided, multiple submitters, no conflicts (2 of 4 stars). 2 submissions from 2 submitters: Uncertain significance (2). Last evaluated 2025-11-28.

Allele frequency attached by ClinVar (database versions not stated): gnomAD exomes 0.00002 and 0.00009; gnomAD 0.00003 and 0.00004; TOPMed 0.00006; ExAC 0.00007; ESP Exome Variant Server 0.00008; 1000 Genomes Project 30x 0.00016; 1000 Genomes Project 0.00020.
gnomAD v4.1: 44 of 1,613,930 alleles (0.0027%); highest among the groups gnomAD compares: Admixed American, 0.032%; no homozygotes.

Submissions (2):

Labcorp Genetics (formerly Invitae), Labcorp
Classification: Uncertain significance. Last evaluated: 2025-11-28. Review status: criteria provided, single submitter. Criteria: Invitae Variant Classification Sherloc (09022015). Collection method: clinical testing. Allele origin: germline.
Comment: This sequence change replaces aspartic acid, which is acidic and polar, with asparagine, which is neutral and polar, at codon 322 of the CLUAP1 protein (p.Asp322Asn). This variant is present in population databases (rs371808643, gnomAD 0.03%). This variant has not been reported in the literature in individuals affected with CLUAP1-related conditions. ClinVar contains an entry for this variant (Variation ID: 1015108). Invitae Evidence Modeling of protein sequence and biophysical properties (such as structural, functional, and spatial information, amino acid conservation, physicochemical variation, residue mobility, and thermodynamic stability) indicates that this missense variant is not expected to disrupt CLUAP1 protein function with a negative predictive value of 80%. In summary, the available evidence is currently insufficient to determine the role of this variant in disease. Therefore, it has been classified as a Variant of Uncertain Significance.

Ambry Genetics
Classification: Uncertain significance. Last evaluated: 2024-03-07. Review status: criteria provided, single submitter. Criteria: Ambry Variant Classification Scheme 2023. Collection method: clinical testing. Allele origin: germline.